The following is an entry in ClinVar:

NM_002435.3(MPI):c.413T>C (p.Met138Thr)

Gene: MPI (mannose phosphate isomerase; plus strand). Cytogenetic location: 15q24.1.
Variant type: single nucleotide variant.
Coding change: c.413T>C on transcript NM_002435.3 (MANE Select); coding-DNA position 413, T replaced by C.
Protein change: p.Met138Thr; replaces methionine 138 with threonine.
Molecular consequence: missense variant.
Genome position (GRCh38, 1-based): chr15:74,892,728, T>C. VCF-style: chr15-74892728-T-C. GRCh37 (hg19) VCF-style: chr15-75185069-T-C.
Other names: c.413T>C, p.Met138Thr (NM_001289155.2, NM_001289157.2); c.263T>C, p.Met88Thr (NM_001289156.2); c.353T>C, p.Met118Thr (NM_001330372.2); short protein forms M138T, M88T, M118T.
Identifiers: ClinVar variation 14347 (VCV000014347.6), dbSNP rs104894495, ClinGen allele CA257212.

ClinVar aggregate classification (germline): Conflicting classifications of pathogenicity. Review status: criteria provided, conflicting classifications (1 of 4 stars). 3 submissions from 3 submitters: Likely pathogenic (1); Uncertain significance (1). 1 of the submissions does not count toward it. Last evaluated 2026-08-25.

Conditions:
MPI-congenital disorder of glycosylation. Also called: CDG Ib; CONGENITAL DISORDER OF GLYCOSYLATION, TYPE Ib; MANNOSEPHOSPHATE ISOMERASE DEFICIENCY; MPI-CDG; MPI DEFICIENCY; PROTEIN-LOSING ENTEROPATHY-HEPATIC FIBROSIS SYNDROME. Identifiers: Orphanet 79319, MedGen C1865145, MONDO:0011257, OMIM 602579.

Allele frequency attached by ClinVar (database versions not stated): gnomAD exomes below 0.00001; TOPMed 0.00002.

Submissions (3):

Myriad Genetics, Inc.
Classification: Uncertain significance for MPI-congenital disorder of glycosylation. Last evaluated: 2026-08-25. Review status: criteria provided, single submitter. Criteria: Myriad Autosomal Dominant, Autosomal Recessive and X-Linked Classification Criteria (2023). Collection method: clinical testing. Allele origin: unknown.
Comment: NM_002435.1(MPI):c.413T>C(M138T) is a missense variant classified as a variant of uncertain significance in the context of congenital disorder of glycosylation, MPI-related. M138T has been observed in cases with relevant disease (PMID: 11134235, 32231455). Relevant functional assessments of this variant are not available in the literature. M138T has not been observed in referenced population frequency databases. In summary, there is insufficient evidence to classify NM_002435.1(MPI):c.413T>C(M138T) as pathogenic or benign. Please note: this variant was assessed in the context of healthy population screening.

3billion
Classification: Likely pathogenic for MPI-congenital disorder of glycosylation. Last evaluated: 2025-11-23. Review status: criteria provided, single submitter. Criteria: ACMG Guidelines, 2015. Collection method: clinical testing. Allele origin: germline. Affected: yes.
Comment: The variant is observed at an extremely low frequency in the gnomAD v4.1.0 dataset (total allele frequency: <0.001%). Predicted Consequence/Location: Missense variant. In silico tool predictions suggest damaging effect of the variant on gene or gene product [REVEL: 0.95 (>=0.6, sensitivity 0.68 and specificity 0.92)]. The same nucleotide change resulting in the same amino acid change has been previously reported as pathogenic/likely pathogenic with strong evidence (ClinVar ID: VCV000014347 /PMID: 9585601). Therefore, this variant is classified as Likely pathogenic according to the recommendation of ACMG/AMP guideline.

OMIM
Classification: Pathogenic for CONGENITAL DISORDER OF GLYCOSYLATION, TYPE Ib. Last evaluated: 1998-06-01. Review status: no assertion criteria provided. Collection method: literature only. Allele origin: germline. Not counted in ClinVar's aggregate classification.

Literature cited by the submitters: PubMed 11134235 (cited by Myriad Genetics, Inc.); PubMed 32231455 (cited by Myriad Genetics, Inc.); PubMed 9585601 (cited by 3billion and OMIM).